The following is an entry in ClinVar:

ClinVar aggregate classification (germline): Pathogenic (1 of 4 stars; one submission).

Submission:

GeneDx
Classification: Pathogenic. Last evaluated: 2019-10-03. Review status: criteria provided, single submitter. Criteria: GeneDx Variant Classification Process June 2021. Collection method: clinical testing. Allele origin: germline. Affected: yes.
Comment: Has not been previously published as pathogenic or benign to our knowledge; Nonsense variant predicted to result in protein truncation or nonsense mediated decay in a gene for which loss-of-function is a known mechanism of disease; Not observed in large population cohorts (Lek et al., 2016); This variant is associated with the following publications: (PMID: 33446253)

NM_001904.4(CTNNB1):c.367C>T (p.Gln123Ter)

Genes: CTNNB1 (catenin beta 1; plus strand), LOC126806658 (BRD4-independent group 4 enhancer GRCh37_chr3:41265899-41267098; plus strand). Cytogenetic location: 3p22.1.
Variant type: single nucleotide variant.
Coding change: c.367C>T on transcript NM_001904.4 (MANE Select); coding-DNA position 367, C replaced by T.
Protein change: p.Gln123Ter; replaces glutamine 123 with a stop codon.
Molecular consequence: nonsense.
Genome position (GRCh38, 1-based): chr3:41,225,079, C>T. VCF-style: chr3-41225079-C-T. GRCh37 (hg19) VCF-style: chr3-41266570-C-T.
Other names: c.367C>T, p.Gln123Ter (NM_001098209.2, NM_001098210.2); c.346C>T, p.Gln116Ter (NM_001330729.2); short protein forms Q116*, Q123*.
Identifiers: ClinVar variation 1196551 (VCV001196551.2), dbSNP rs2125620433, ClinGen allele CA352229136.
Genomic context (GRCh38, chr3:41,225,079, plus strand): 5'-TTAGATGAGGGCATGCAGATCCCATCTACACAGTTTGATGCTGCTCATCCCACTAATGTC[C>T]AGCGTTTGGCTGAACCATCACAGATGCTGAAACATGCAGTTGTAAACTTGATTAACTATC-3'